The following is an entry in ClinVar:

NM_024496.4(IRF2BPL):c.2299G>C (p.Val767Leu)

Gene: IRF2BPL (interferon regulatory factor 2 binding protein like; minus strand). Cytogenetic location: 14q24.3.
Variant type: single nucleotide variant.
Coding change: c.2299G>C on transcript NM_024496.4 (MANE Select); coding-DNA position 2299, G replaced by C.
Protein change: p.Val767Leu; replaces valine 767 with leucine.
Molecular consequence: missense variant.
Genome position (GRCh38, 1-based): chr14:77,025,494, C>G on the plus strand (G>C on the coding strand, the complement: IRF2BPL is on the minus strand). VCF-style: chr14-77025494-C-G. GRCh37 (hg19) VCF-style: chr14-77491837-C-G.
Other names: c.2299G>C (NM_024496.2); short protein forms V767L.
Identifiers: ClinVar variation 3054950 (VCV003054950.4), dbSNP rs142468978, ClinGen allele CA7283497.

ClinVar aggregate classification (germline): Conflicting classifications of pathogenicity. Review status: criteria provided, conflicting classifications (1 of 4 stars). 3 submissions from 3 submitters: Uncertain significance (1); Likely benign (1). 1 of the submissions does not count toward it. Last evaluated 2021-08-09.

Conditions:
Intellectual disability. Also called: Intellectual developmental disorder; Intellectual functioning disability; intellectual disabilities. Identifiers: MedGen C3714756, MeSH D008607, MONDO:0001071, HP:0001249.
IRF2BPL-related disorder. Also called: IRF2BPL-related condition. Identifiers: MedGen CN381093.
Inborn genetic diseases. Identifiers: MedGen C0950123, MeSH D030342.

Allele frequency attached by ClinVar (database versions not stated): ExAC 0.00003; TOPMed 0.00009; gnomAD 0.00011; 1000 Genomes Project 30x 0.00016; 1000 Genomes Project 0.00020; ESP Exome Variant Server 0.00023.
gnomAD v4.1: 34 of 1,613,788 alleles (0.0021%); highest among the groups gnomAD compares: African/African-American, 0.041%; 1 homozygote.

Submissions (3):

Ambry Genetics
Classification: Uncertain significance for Inborn genetic diseases. Last evaluated: 2021-08-09. Review status: criteria provided, single submitter. Criteria: Ambry Variant Classification Scheme 2023. Collection method: clinical testing. Allele origin: germline.

Cambridge Genomics Laboratory, East Genomic Laboratory Hub, NHS Genomic Medicine Service
Classification: Likely benign for Intellectual disability. Last evaluated: 2020-03-27. Review status: criteria provided, single submitter. Criteria: ACGS Best Practice Guidelines for Variant Classification in Rare Disease 2020. Collection method: clinical testing. Allele origin: germline. Affected: yes. Observed: 1 variant allele.

PreventionGenetics, part of Exact Sciences
Classification: Likely benign for IRF2BPL-related condition. Last evaluated: 2023-07-30. Review status: no assertion criteria provided. Collection method: clinical testing. Allele origin: germline. Not counted in ClinVar's aggregate classification.
Comment: This variant is classified as likely benign based on ACMG/AMP sequence variant interpretation guidelines (Richards et al. 2015 PMID: 25741868, with internal and published modifications).